The following is an entry in ClinVar:

NM_000059.4(BRCA2):c.3300C>A (p.Asn1100Lys)

Gene: BRCA2 (BRCA2 DNA repair associated; plus strand). Cytogenetic location: 13q13.1.
Variant type: single nucleotide variant.
Coding change: c.3300C>A on transcript NM_000059.4 (MANE Select); coding-DNA position 3300, C replaced by A.
Protein change: p.Asn1100Lys; replaces asparagine 1100 with lysine.
Molecular consequence: missense variant.
Genome position (GRCh38, 1-based): chr13:32,337,655, C>A. VCF-style: chr13-32337655-C-A. GRCh37 (hg19) VCF-style: chr13-32911792-C-A.
Other names: short protein forms N1100K.
Identifiers: ClinVar variation 489754 (VCV000489754.6), dbSNP rs1555283155, ClinGen allele CA387776166.

ClinVar aggregate classification (germline): Conflicting classifications of pathogenicity. Review status: criteria provided, conflicting classifications (1 of 4 stars). 2 submissions from 2 submitters: Uncertain significance (1); Likely benign (1). Last evaluated 2023-03-23.

Conditions:
Hereditary cancer-predisposing syndrome. Also called: Hereditary Cancer Syndrome; Neoplastic Syndromes, Hereditary; Tumor predisposition; Hereditary neoplastic syndrome. Identifiers: Orphanet 140162, MedGen C0027672, MeSH D009386, MONDO:0015356.

Submissions (2):

University of Washington Department of Laboratory Medicine, University of Washington
Classification: Likely benign for Hereditary cancer-predisposing syndrome. Last evaluated: 2023-03-23. Review status: criteria provided, single submitter. Criteria: Dines et al. (Genet Med. 2020). Collection method: curation. Allele origin: germline.
Comment: Missense variant in a coldspot region where missense variants are very unlikely to be pathogenic (PMID:31911673).

BRCA2 exon 11 coldspot. Reclassification based on statistical prior probability.

Color Diagnostics, LLC DBA Color Health
Classification: Uncertain significance for Hereditary cancer-predisposing syndrome. Last evaluated: 2019-03-29. Review status: criteria provided, single submitter. Criteria: ACMG Guidelines, 2015. Collection method: clinical testing. Allele origin: germline.